The following is an entry in ClinVar:

NM_004369.4(COL6A3):c.6832C>A (p.Pro2278Thr)

Gene: COL6A3 (collagen type VI alpha 3 chain; minus strand). Cytogenetic location: 2q37.3.
Variant type: single nucleotide variant.
Coding change: c.6832C>A on transcript NM_004369.4 (MANE Select); coding-DNA position 6832, C replaced by A.
Protein change: p.Pro2278Thr; replaces proline 2278 with threonine.
Molecular consequence: missense variant.
Genome position (GRCh38, 1-based): chr2:237,350,194, G>T on the plus strand (C>A on the coding strand, the complement: COL6A3 is on the minus strand). VCF-style: chr2-237350194-G-T. GRCh37 (hg19) VCF-style: chr2-238258837-G-T.
Other names: c.5011C>A, p.Pro1671Thr (NM_057166.5); c.6214C>A, p.Pro2072Thr (NM_057167.4); short protein forms P2072T, P1671T, P2278T.
Identifiers: ClinVar variation 654398 (VCV000654398.9), dbSNP rs1574958818, ClinGen allele CA351209396.
Genomic context (GRCh38, chr2:237,350,194, plus strand): 5'-GCTGTGACCTTACCGTCTCCCCACGAGGGCCCCGGTTCCCGATTCCTCCTTTTGGTCCTG[G>T]CTCTCCGGGCTCACCCTAGACATGAGAAACATGGCTGAGACCCTGTGGCCTGGGGCTGGC-3'
Protein context (NP_004360.2, residues 2268-2288): PLGRKGEPGE[Pro2278Thr]GPKGGIGNRG

ClinVar aggregate classification (germline): Uncertain significance (1 of 4 stars; one submission).

Conditions:
Bethlem myopathy 1A. Also called: Bethlem Muscular Dystrophy; Bethlem myopathy 1; MYOPATHY, BENIGN CONGENITAL, WITH CONTRACTURES. Identifiers: Orphanet 610, MedGen CN029274, MONDO:0024530, OMIM 158810.

Submission:

Labcorp Genetics (formerly Invitae), Labcorp
Classification: Uncertain significance for Bethlem myopathy 1A. Last evaluated: 2020-02-15. Review status: criteria provided, single submitter. Criteria: Invitae Variant Classification Sherloc (09022015). Collection method: clinical testing. Allele origin: germline.
Comment: Algorithms developed to predict the effect of missense changes on protein structure and function (SIFT, PolyPhen-2, Align-GVGD) all suggest that this variant is likely to be disruptive, but these predictions have not been confirmed by published functional studies and their clinical significance is uncertain. In summary, the available evidence is currently insufficient to determine the role of this variant in disease. Therefore, it has been classified as a Variant of Uncertain Significance. This variant has not been reported in the literature in individuals with COL6A3-related disease. This sequence change replaces proline with threonine at codon 2278 of the COL6A3 protein (p.Pro2278Thr). The proline residue is highly conserved and there is a small physicochemical difference between proline and threonine. This variant is not present in population databases (ExAC no frequency).